The following is an entry in ClinVar:

NM_201384.3(PLEC):c.9825C>T (p.Arg3275=)

Gene: PLEC (plectin; minus strand). Cytogenetic location: 8q24.3.
Variant type: single nucleotide variant.
Coding change: c.9825C>T on transcript NM_201384.3 (MANE Select); coding-DNA position 9825, C replaced by T.
Protein change: p.Arg3275=; no amino-acid change (arginine 3275 retained).
Molecular consequence: synonymous variant.
Genome position (GRCh38, 1-based): chr8:143,919,996, G>A on the plus strand (C>T on the coding strand, the complement: PLEC is on the minus strand). VCF-style: chr8-143919996-G-A. GRCh37 (hg19) VCF-style: chr8-144994164-G-A.
Other names: p.Arg3261=; c.9906C>T, p.Arg3302= (NM_000445.5); c.9783C>T, p.Arg3261= (NM_201378.4); c.9759C>T, p.Arg3253= (NM_201379.3); c.10236C>T, p.Arg3412= (NM_201380.4); c.9729C>T, p.Arg3243= (NM_201381.3); c.9825C>T, p.Arg3275= (NM_201382.4); c.9837C>T, p.Arg3279= (NM_201383.3).
Identifiers: ClinVar variation 1449055 (VCV001449055.7), dbSNP rs1020554521, ClinGen allele CA187609704.
Genomic context (GRCh38, chr8:143,919,996, plus strand): 5'-CACCTCCTCCACGATGGTAATGAGAATCTTGATGACCTTCTCCACGGTGACCTTGCCCGT[G>A]CGGAACTGACGCAACAGCTCCTGCCGCTGCTCCGCAGTGAAGTACTCAGAGCTGATGAGC-3'
Protein context (NP_958786.1, residues 3265-3285): EQRQELLRQF[Arg3275=]TGKVTVEKVI

ClinVar aggregate classification (germline): Likely benign. Review status: criteria provided, multiple submitters, no conflicts (2 of 4 stars). 2 submissions from 2 submitters: Likely benign (2). Last evaluated 2025-02-05.

Conditions:
Epidermolysis bullosa simplex 5B, with muscular dystrophy (EBS5B). Also called: Epidermolysis bullosa simplex with muscular dystrophy; EPIDERMOLYSIS BULLOSA SIMPLEX AND LIMB-GIRDLE MUSCULAR DYSTROPHY. Identifiers: Orphanet 257, MedGen C2931072, MONDO:0009181, OMIM 226670.
Epidermolysis bullosa simplex, Ogna type (EBS5A). Also called: Pidermolysis bullosa simplex 5A, Ogna type; EPIDERMOLYSIS BULLOSA SIMPLEX 5A, OGNA TYPE. Identifiers: Orphanet 79401, MedGen C0432317, MONDO:0007555, OMIM 131950.
Epidermolysis bullosa simplex with nail dystrophy (EBS5D). Identifiers: MedGen C4225309, MONDO:0014661, OMIM 616487.
Epidermolysis bullosa simplex 5C, with pyloric atresia (EBS5C). Also called: Epidermolysis bullosa simplex with pyloric atresia; PLEC-Related Epidermolysis Bullosa with Pyloric Atresia; PLEC1-Related Epidermolysis Bullosa with Pyloric Atresia. Identifiers: Orphanet 158684, MedGen C2677349, MONDO:0012807, OMIM 612138.
Autosomal recessive limb-girdle muscular dystrophy type 2Q (LGMDR17). Also called: MUSCULAR DYSTROPHY, LIMB-GIRDLE, AUTOSOMAL RECESSIVE 17. Identifiers: Orphanet 254361, MedGen C3150989, MONDO:0013390, OMIM 613723.

Allele frequency attached by ClinVar (database versions not stated): gnomAD exomes 0.00001.
gnomAD v4.1: 4 of 1,613,284 alleles (0.00025%); highest among the groups gnomAD compares: Admixed American, 0.0067%; no homozygotes.

Submissions (2):

Mayo Clinic Laboratories, Mayo Clinic
Classification: Likely benign. Last evaluated: 2025-02-05. Review status: criteria provided, single submitter. Criteria: ACMG Guidelines, 2015. Collection method: clinical testing. Allele origin: germline. Observed: 2 variant alleles.
Comment: BP4, BP7

Labcorp Genetics (formerly Invitae), Labcorp
Classification: Likely benign for Autosomal recessive limb-girdle muscular dystrophy type 2Q; Epidermolysis bullosa simplex, Ogna type; Epidermolysis bullosa simplex with nail dystrophy; Epidermolysis bullosa simplex 5C, with pyloric atresia; Epidermolysis bullosa simplex 5B, with muscular dystrophy. Last evaluated: 2024-02-20. Review status: criteria provided, single submitter. Criteria: Invitae Variant Classification Sherloc (09022015). Collection method: clinical testing. Allele origin: germline.